The following is an entry in ClinVar:

NM_000222.3(KIT):c.890G>T (p.Gly297Val)

Gene: KIT (KIT proto-oncogene, receptor tyrosine kinase; plus strand). Cytogenetic location: 4q12.
Variant type: single nucleotide variant.
Coding change: c.890G>T on transcript NM_000222.3 (MANE Select); coding-DNA position 890, G replaced by T.
Protein change: p.Gly297Val; replaces glycine 297 with valine.
Molecular consequence: missense variant.
Genome position (GRCh38, 1-based): chr4:54,703,857, G>T. VCF-style: chr4-54703857-G-T. GRCh37 (hg19) VCF-style: chr4-55570023-G-T.
Other names: c.890G>T, p.Gly297Val (NM_001093772.2, NM_001385285.1, NM_001385286.1); c.893G>T, p.Gly298Val (NM_001385284.1, NM_001385288.1, NM_001385290.1 and 1 more transcripts); short protein forms G297V, G298V.
Identifiers: ClinVar variation 3230691 (VCV003230691.3), dbSNP rs1295193276, ClinGen allele CA356900081.
Genomic context (GRCh38, chr4:54,703,857, plus strand): 5'-TCAGTTCAGCGAGAGTTAATGATTCTGGAGTGTTCATGTGTTATGCCAATAATACTTTTG[G>T]ATCAGCAAATGTCACAACAACCTTGGAAGTAGTAGGTAAATACCTCTATGGGAATGTTTA-3'
Protein context (NP_000213.1, residues 287-307): VFMCYANNTF[Gly297Val]SANVTTTLEV

ClinVar aggregate classification (germline): Uncertain significance. Review status: criteria provided, multiple submitters, no conflicts (2 of 4 stars). 2 submissions from 2 submitters: Uncertain significance (2). Last evaluated 2025-11-24.

Conditions:
Hereditary cancer-predisposing syndrome. Also called: Tumor predisposition; Hereditary Cancer Syndrome; Hereditary neoplastic syndrome; Neoplastic Syndromes, Hereditary. Identifiers: Orphanet 140162, MedGen C0027672, MeSH D009386, MONDO:0015356.

Allele frequency attached by ClinVar (database versions not stated): TOPMed below 0.00001.

Submissions (2):

Ambry Genetics
Classification: Uncertain significance for Hereditary cancer-predisposing syndrome. Last evaluated: 2025-11-24. Review status: criteria provided, single submitter. Criteria: Ambry Variant Classification Scheme 2023. Collection method: clinical testing. Allele origin: germline.
Comment: The p.G297V variant (also known as c.890G>T), located in coding exon 5 of the KIT gene, results from a G to T substitution at nucleotide position 890. The glycine at codon 297 is replaced by valine, an amino acid with dissimilar properties. This amino acid position is conserved. In addition, this alteration is predicted to be deleterious by in silico analysis. Based on the available evidence, the clinical significance of this variant remains unclear.

Blueprint Genetics
Classification: Uncertain significance. Last evaluated: 2023-02-24. Review status: criteria provided, single submitter. Criteria: ACMG Guidelines, 2015. Collection method: clinical testing. Allele origin: germline.